The following is an entry in ClinVar:

NM_002617.4(PEX10):c.913-1G>A

Gene: PEX10 (peroxisomal biogenesis factor 10; minus strand). Cytogenetic location: 1p36.32.
Variant type: single nucleotide variant.
Coding change: c.913-1G>A on transcript NM_002617.4 (MANE Select); the canonical splice acceptor site of the intron before coding-DNA position 913, G replaced by A.
Molecular consequence: splice acceptor variant.
Genome position (GRCh38, 1-based): chr1:2,405,835, C>T on the plus strand (G>A on the coding strand, the complement: PEX10 is on the minus strand). VCF-style: chr1-2405835-C-T. GRCh37 (hg19) VCF-style: chr1-2337274-C-T.
Other names: c.481-1G>A (NM_001374427.1); c.538-1G>A (NM_001374426.1); c.970-1G>A (NM_001374425.1); c.973-1G>A (NM_153818.2, NM_153818.1).
Identifiers: ClinVar variation 3240082 (VCV003240082.2), dbSNP rs752506584.

ClinVar aggregate classification (germline): Likely pathogenic. Review status: criteria provided, multiple submitters, no conflicts (2 of 4 stars). 2 submissions from 2 submitters: Likely pathogenic (2). Last evaluated 2024-11-29.

Conditions:
Zellweger spectrum disorders (ZS). Also called: Zellweger Spectrum Disorder (ZSD); Zellweger syndrome; Zellweger Spectrum Disorder; Zellweger Spectrum. Identifiers: Orphanet 912, MedGen C0043459, MONDO:0019609.
Peroxisome biogenesis disorder 6A (Zellweger). Also called: Peroxisome biogenesis disorder 6A. Identifiers: Orphanet 912, MedGen C3553947, MONDO:0013936, OMIM 614870.

Submissions (2):

Natera, Inc.
Classification: Likely pathogenic for Zellweger syndrome. Last evaluated: 2024-11-29. Review status: criteria provided, single submitter. Criteria: Natera Variant Classification Schema (03/2026). Collection method: clinical testing. Allele origin: germline.
Comment: The c.973-1G>A variant in PEX10 is a canonical splice acceptor site variant predicted to affect pre-mRNA splicing, which may result in an abnormal transcript and altered protein product. This variant is expected to result in nonsense mediated decay, truncation, or a dysfunctional protein product. This variant is rare in the general population with a frequency below the threshold expected for the associated phenotype(s). Given the available evidence, this variant is classified as Likely Pathogenic.

Baylor Genetics
Classification: Likely pathogenic for Peroxisome biogenesis disorder 6A (Zellweger). Last evaluated: 2024-03-04. Review status: criteria provided, single submitter. Criteria: ACMG Guidelines, 2015. Collection method: clinical testing. Allele origin: unknown.